The following is an entry in ClinVar:

ClinVar aggregate classification (germline): Uncertain significance. Review status: criteria provided, multiple submitters, no conflicts (2 of 4 stars). 2 submissions from 2 submitters: Uncertain significance (2). Last evaluated 2024-09-02.

Conditions:
Inborn genetic diseases. Identifiers: MedGen C0950123, MeSH D030342.
Holoprosencephaly 11 (HPE11). Identifiers: Orphanet 2162, MedGen C3280215, MONDO:0013642, OMIM 614226.

Allele frequency attached by ClinVar (database versions not stated): ExAC 0.00001; TOPMed 0.00005; gnomAD 0.00007; ESP Exome Variant Server 0.00008.
gnomAD v4.1: 17 of 1,614,042 alleles (0.0011%); highest among the groups gnomAD compares: African/African-American, 0.021%; no homozygotes.

Submissions (2):

Ambry Genetics
Classification: Uncertain significance for Inborn genetic diseases. Last evaluated: 2024-09-02. Review status: criteria provided, single submitter. Criteria: Ambry Variant Classification Scheme 2023. Collection method: clinical testing. Allele origin: germline.

Labcorp Genetics (formerly Invitae), Labcorp
Classification: Uncertain significance for Holoprosencephaly 11. Last evaluated: 2022-09-27. Review status: criteria provided, single submitter. Criteria: Invitae Variant Classification Sherloc (09022015). Collection method: clinical testing. Allele origin: germline.
Comment: This sequence change replaces glutamic acid, which is acidic and polar, with aspartic acid, which is acidic and polar, at codon 663 of the CDON protein (p.Glu663Asp). In summary, the available evidence is currently insufficient to determine the role of this variant in disease. Therefore, it has been classified as a Variant of Uncertain Significance. Advanced modeling of protein sequence and biophysical properties (such as structural, functional, and spatial information, amino acid conservation, physicochemical variation, residue mobility, and thermodynamic stability) performed at Invitae indicates that this missense variant is not expected to disrupt CDON protein function. This variant has not been reported in the literature in individuals affected with CDON-related conditions. This variant is present in population databases (rs368177231, gnomAD 0.01%).

NM_001378964.1(CDON):c.1989A>T (p.Glu663Asp)

Gene: CDON (cell adhesion associated, oncogene regulated; minus strand). Cytogenetic location: 11q24.2.
Variant type: single nucleotide variant.
Coding change: c.1989A>T on transcript NM_001378964.1 (MANE Select); coding-DNA position 1989, A replaced by T.
Protein change: p.Glu663Asp; replaces glutamic acid 663 with aspartic acid.
Molecular consequence: missense variant.
Genome position (GRCh38, 1-based): chr11:126,003,939, T>A on the plus strand (A>T on the coding strand, the complement: CDON is on the minus strand). VCF-style: chr11-126003939-T-A. GRCh37 (hg19) VCF-style: chr11-125873834-T-A.
Other names: c.1989A>T, p.Glu663Asp (NM_001243597.3, NM_016952.6); short protein forms E663D.
Identifiers: ClinVar variation 2152215 (VCV002152215.5), dbSNP rs368177231, ClinGen allele CA6351885.